The following is an entry in ClinVar:

NM_001005242.2:c.(1674+1_1675-1)_(2013+1_2014-1)del

Gene: PKP2 (plakophilin 2; minus strand).
Variant type: Deletion.
Identifiers: ClinVar variation 4820444 (VCV004820444.1).

ClinVar aggregate classification (germline): Likely pathogenic (1 of 4 stars; one submission).

Conditions:
Cardiovascular phenotype. Identifiers: MedGen CN230736.

Submission:

Molecular Diagnostic Laboratory for Inherited Cardiovascular Disease, Montreal Heart Institute
Classification: Likely pathogenic for Cardiovascular phenotype. Last evaluated: 2025-08-26. Review status: criteria provided, single submitter. Criteria: ACMG Guidelines, 2015. Collection method: clinical testing. Allele origin: germline. Affected: yes.
Comment: PVS1_strong, PM2